The following is an entry in ClinVar:

ClinVar aggregate classification (germline): Likely benign. Review status: criteria provided, multiple submitters, no conflicts (2 of 4 stars). 3 submissions from 3 submitters: Likely benign (2). 1 of the submissions does not count toward it. Last evaluated 2026-04-01.

Conditions:
NDUFS7-related disorder. Also called: NDUFS7-related condition.

Allele frequency attached by ClinVar (database versions not stated): gnomAD 0.00032.

Submissions (3):

CeGaT Center for Human Genetics Tuebingen
Classification: Likely benign. Last evaluated: 2026-04-01. Review status: criteria provided, single submitter. Criteria: CeGaT Center For Human Genetics Tuebingen Variant Classification Criteria Version 2. Collection method: clinical testing. Allele origin: germline. Affected: yes. Observed: 1 variant allele.
Comment: NDUFS7: BP4, BP7

Blueprint Genetics
Classification: Likely benign. Last evaluated: 2024-11-15. Review status: criteria provided, single submitter. Criteria: ACMG Guidelines, 2015. Collection method: clinical testing. Allele origin: germline.

PreventionGenetics, part of Exact Sciences
Classification: Likely benign for NDUFS7-related condition. Last evaluated: 2019-04-26. Review status: no assertion criteria provided. Collection method: clinical testing. Allele origin: germline. Not counted in ClinVar's aggregate classification.
Comment: This variant is classified as likely benign based on ACMG/AMP sequence variant interpretation guidelines (Richards et al. 2015 PMID: 25741868, with internal and published modifications).

NM_024407.5(NDUFS7):c.513C>T (p.Asp171=)

Gene: NDUFS7 (NADH:ubiquinone oxidoreductase core subunit S7; plus strand). Cytogenetic location: 19p13.3.
Variant type: single nucleotide variant.
Coding change: c.513C>T on transcript NM_024407.5 (MANE Select); coding-DNA position 513, C replaced by T.
Protein change: p.Asp171=; no amino-acid change (aspartic acid 171 retained).
Molecular consequence: synonymous variant.
Genome position (GRCh38, 1-based): chr19:1,393,299, C>T. VCF-style: chr19-1393299-C-T. GRCh37 (hg19) VCF-style: chr19-1393298-C-T.
Other names: c.513C>T, p.Asp171= (NM_001363602.2).
Identifiers: ClinVar variation 3051133 (VCV003051133.5), dbSNP rs773528343, ClinGen allele CA402987335.
Genomic context (GRCh38, chr19:1,393,299, plus strand): 5'-CAGCTGCGCCAACGGAGGAGGCTACTACCACTATTCCTACTCGGTGGTGAGGGGCTGCGA[C>T]CGCATCGTGCCCGTGGACATCTACATCCCAGGTAGGGCCGGGACCGCACCGCCCACGAGG-3'
Protein context (NP_077718.3, residues 161-181): HYSYSVVRGC[Asp171=]RIVPVDIYIP